The following is an entry in ClinVar:

NM_000219.6(KCNE1):c.338T>G (p.Leu113Arg)

Gene: KCNE1 (potassium voltage-gated channel subfamily E regulatory subunit 1; minus strand). Cytogenetic location: 21q22.12.
Variant type: single nucleotide variant.
Coding change: c.338T>G on transcript NM_000219.6 (MANE Select); coding-DNA position 338, T replaced by G.
Protein change: p.Leu113Arg; replaces leucine 113 with arginine.
Molecular consequence: missense variant.
Genome position (GRCh38, 1-based): chr21:34,449,297, A>C on the plus strand (T>G on the coding strand, the complement: KCNE1 is on the minus strand). VCF-style: chr21-34449297-A-C. GRCh37 (hg19) VCF-style: chr21-35821595-A-C.
Other names: c.338T>G, p.Leu113Arg (NM_001127668.4, NM_001127669.4, NM_001127670.4 and 4 more transcripts); short protein forms L113R.
Identifiers: ClinVar variation 3374681 (VCV003374681.2).
Genomic context (GRCh38, chr21:34,449,297, plus strand): 5'-GGTGGGGTTCATGGGGAAGGCTTCGTCTCAGGAAGGTGTGTGTTGGGTTGTTCTATGGCC[A>C]GATGGTTTTCAACGACATAGCACGACCTGTAGCTCTCCAGGACCCGGGCCTGGACATAGG-3'
Protein context (NP_000210.2, residues 103-123): YRSCYVVENH[Leu113Arg]AIEQPNTHLP

Conditions:
Long QT syndrome 5 (LQT5). Identifiers: Orphanet 101016, Orphanet 768, MedGen C1867904, MONDO:0013372, OMIM 613695.

Submission:

Roden Lab, Vanderbilt University Medical Center
No classification provided (evidence only). Condition: Long QT syndrome 5. Review status: no classification provided. Collection method: in vitro. Allele origin: not applicable. Functional consequence: Effect on ion channel function.
ClinVar note: "not provided" was previously submitted as the classification for the variant. However, the classification appeared to be based only on an observation of functional data so it was converted to no classification on 2025-07-30.